The following is an entry in ClinVar:

ClinVar aggregate classification (germline): Pathogenic (1 of 4 stars; one submission).

Conditions:
Familial cancer of breast. Also called: Hereditary breast cancer; hereditary breast carcinoma; BREAST CANCER, FAMILIAL. Identifiers: Orphanet 227535, MedGen C0346153, MONDO:0016419, OMIM 114480. Disease mechanism: loss of function.

Submission:

Labcorp Genetics (formerly Invitae), Labcorp
Classification: Pathogenic for Familial cancer of breast. Last evaluated: 2023-03-19. Review status: criteria provided, single submitter. Criteria: Invitae Variant Classification Sherloc (09022015). Collection method: clinical testing. Allele origin: germline.
Comment: For these reasons, this variant has been classified as Pathogenic. This variant has not been reported in the literature in individuals affected with BARD1-related conditions. This variant is a gross deletion of the genomic region encompassing exon(s) 5-9 of the BARD1 gene. This deletion is out-of-frame, and is expected to create a premature termination codon and result in an absent or disrupted protein product. Loss-of-function variants in BARD1 are known to be pathogenic (PMID: 20077502, 21344236).

Literature cited by the submitters: PubMed 20077502; PubMed 21344236.

NC_000002.11:g.(?_215609781)_(215634046_?)del

Gene: BARD1 (BRCA1 associated RING domain 1; minus strand). Cytogenetic location: 2q35.
Variant type: Deletion.
Identifiers: ClinVar variation 2423124 (VCV002423124.4).